The following is an entry in ClinVar:

ClinVar aggregate classification (germline): Conflicting classifications of pathogenicity. Review status: criteria provided, conflicting classifications (1 of 4 stars). 3 submissions from 3 submitters: Uncertain significance (1); Benign (1). 1 of the submissions does not count toward it. Last evaluated 2025-03-25.

Conditions:
DNASE1-related disorder. Also called: DNASE1-related condition.

Allele frequency attached by ClinVar (database versions not stated): TOPMed 0.00032; 1000 Genomes Project 0.00060; 1000 Genomes Project 30x 0.00094.
gnomAD v4.1: 316 of 1,613,906 alleles (0.02%); highest among the groups gnomAD compares: Admixed American, 0.4%; 2 homozygotes.

Submissions (3):

Mayo Clinic Laboratories, Mayo Clinic
Classification: Uncertain significance. Last evaluated: 2025-03-25. Review status: criteria provided, single submitter. Criteria: ACMG Guidelines, 2015. Collection method: clinical testing. Allele origin: germline. Observed: 1 variant allele.

Labcorp Genetics (formerly Invitae), Labcorp
Classification: Benign. Last evaluated: 2018-03-05. Review status: criteria provided, single submitter. Criteria: Invitae Variant Classification Sherloc (09022015). Collection method: clinical testing. Allele origin: germline.

PreventionGenetics, part of Exact Sciences
Classification: Likely benign for DNASE1-related condition. Last evaluated: 2019-11-18. Review status: no assertion criteria provided. Collection method: clinical testing. Allele origin: germline. Not counted in ClinVar's aggregate classification.
Comment: This variant is classified as likely benign based on ACMG/AMP sequence variant interpretation guidelines (Richards et al. 2015 PMID: 25741868, with internal and published modifications).

NM_005223.4(DNASE1):c.747C>T (p.Pro249=)

Gene: DNASE1 (deoxyribonuclease 1; plus strand). Cytogenetic location: 16p13.3.
Variant type: single nucleotide variant.
Coding change: c.747C>T on transcript NM_005223.4 (MANE Select); coding-DNA position 747, C replaced by T.
Protein change: p.Pro249=; no amino-acid change (proline 249 retained).
Molecular consequence: synonymous variant. On other transcripts: non-coding transcript variant (2).
Genome position (GRCh38, 1-based): chr16:3,657,762, C>T. VCF-style: chr16-3657762-C-T. GRCh37 (hg19) VCF-style: chr16-3707763-C-T.
Other names: p.Pro249=; c.747C>T, p.Pro249= (NM_001351825.2, NM_001387135.1, NM_001387140.1); c.816C>T, p.Pro272= (NM_001387139.1); c.540C>T, p.Pro180= (NM_001387141.1).
Identifiers: ClinVar variation 712625 (VCV000712625.6), dbSNP rs201975812, ClinGen allele CA7867493.